The following is an entry in ClinVar:

ClinVar aggregate classification (germline): Likely benign (0 of 4 stars; one submission).

Conditions:
ISL1-related disorder. Also called: ISL1-related condition.

gnomAD v4.1: 26 of 1,606,050 alleles (0.0016%); highest among the groups gnomAD compares: East Asian, 0.0045%; no homozygotes.

Submission:

PreventionGenetics, part of Exact Sciences
Classification: Likely benign for ISL1-related condition. Last evaluated: 2024-04-30. Review status: no assertion criteria provided. Collection method: clinical testing. Allele origin: germline.
Comment: This variant is classified as likely benign based on ACMG/AMP sequence variant interpretation guidelines (Richards et al. 2015 PMID: 25741868, with internal and published modifications).

NM_002202.3(ISL1):c.479-5C>T

Gene: ISL1 (ISL LIM homeobox 1; plus strand). Cytogenetic location: 5q11.1.
Variant type: single nucleotide variant.
Coding change: c.479-5C>T on transcript NM_002202.3 (MANE Select); 5 bases into the intron before coding-DNA position 479, C replaced by T.
Molecular consequence: intron variant.
Genome position (GRCh38, 1-based): chr5:51,389,641, C>T. VCF-style: chr5-51389641-C-T. GRCh37 (hg19) VCF-style: chr5-50685475-C-T.
Identifiers: ClinVar variation 3357753 (VCV003357753.1).